The following is an entry in ClinVar:

NM_024642.5(GALNT12):c.1325G>A (p.Arg442Lys)

Gene: GALNT12 (polypeptide N-acetylgalactosaminyltransferase 12; plus strand). Cytogenetic location: 9q22.33.
Variant type: single nucleotide variant.
Coding change: c.1325G>A on transcript NM_024642.5 (MANE Select); coding-DNA position 1325, G replaced by A.
Protein change: p.Arg442Lys; replaces arginine 442 with lysine.
Molecular consequence: missense variant.
Genome position (GRCh38, 1-based): chr9:98,840,114, G>A. VCF-style: chr9-98840114-G-A. GRCh37 (hg19) VCF-style: chr9-101602396-G-A.
Other names: short protein forms R442K.
Identifiers: ClinVar variation 2566267 (VCV002566267.2), dbSNP rs1836251340, ClinGen allele CA374221125.

ClinVar aggregate classification (germline): Uncertain significance (1 of 4 stars; one submission).

Submission:

Ambry Genetics
Classification: Uncertain significance. Last evaluated: 2023-05-15. Review status: criteria provided, single submitter. Criteria: Ambry Variant Classification Scheme 2023. Collection method: clinical testing. Allele origin: germline.
Comment: The p.R442K variant (also known as c.1325G>A), located in coding exon 7 of the GALNT12 gene, results from a G to A substitution at nucleotide position 1325. The arginine at codon 442 is replaced by lysine, an amino acid with highly similar properties. This amino acid position is conserved. In addition, this alteration is predicted to be tolerated by in silico analysis. Since supporting evidence is limited at this time, the clinical significance of this alteration remains unclear.